The following is an entry in ClinVar:

ClinVar aggregate classification (germline): Uncertain significance (1 of 4 stars; one submission).

Conditions:
Hypertrophic cardiomyopathy. Also called: HYPERTROPHIC MYOCARDIOPATHY. Identifiers: Orphanet 217569, MedGen C0007194, MeSH D002312, MONDO:0005045, HP:0001639.

Submission:

Labcorp Genetics (formerly Invitae), Labcorp
Classification: Uncertain significance for Hypertrophic cardiomyopathy. Last evaluated: 2021-10-24. Review status: criteria provided, single submitter. Criteria: Invitae Variant Classification Sherloc (09022015). Collection method: clinical testing. Allele origin: germline.
Comment: In summary, the available evidence is currently insufficient to determine the role of this variant in disease. Therefore, it has been classified as a Variant of Uncertain Significance. This variant is found within a region of MYH7 between codons 181 and 937 that contains the majority of the myosin head domain. Missense variants in this region have been shown to be significantly overrepresented in individuals with hypertrophic cardiomyopathy (PMID: 27532257). Algorithms developed to predict the effect of missense changes on protein structure and function are either unavailable or do not agree on the potential impact of this missense change (SIFT: "Deleterious"; PolyPhen-2: "Possibly Damaging"; Align-GVGD: "Class C0"). ClinVar contains an entry for this variant (Variation ID: 407184). This variant has not been reported in the literature in individuals affected with MYH7-related conditions. This variant is not present in population databases (gnomAD no frequency). This sequence change replaces isoleucine, which is neutral and non-polar, with valine, which is neutral and non-polar, at codon 192 of the MYH7 protein (p.Ile192Val).

Literature cited by the submitters: PubMed 27532257.

NM_000257.4(MYH7):c.574A>G (p.Ile192Val)

Gene: MYH7 (myosin heavy chain 7; minus strand). Cytogenetic location: 14q11.2.
Variant type: single nucleotide variant.
Coding change: c.574A>G on transcript NM_000257.4 (MANE Select); coding-DNA position 574, A replaced by G.
Protein change: p.Ile192Val; replaces isoleucine 192 with valine.
Molecular consequence: missense variant.
Genome position (GRCh38, 1-based): chr14:23,431,826, T>C on the plus strand (A>G on the coding strand, the complement: MYH7 is on the minus strand). VCF-style: chr14-23431826-T-C. GRCh37 (hg19) VCF-style: chr14-23901035-T-C.
Other names: c.574A>G (LRG_384t1); short protein forms I192V.
Identifiers: ClinVar variation 407184 (VCV000407184.8), dbSNP rs1060501442, ClinGen allele CA16614503.